The following is an entry in ClinVar:

ClinVar aggregate classification (germline): Benign/Likely benign. Review status: criteria provided, multiple submitters, no conflicts (2 of 4 stars). 7 submissions from 7 submitters: Benign (3); Likely benign (3). 1 of the submissions does not count toward it. Last evaluated 2026-01-18.

Conditions:
PDHA1-related disorder. Also called: PDHA1-related condition.
Inborn genetic diseases. Identifiers: MedGen C0950123, MeSH D030342.
Pyruvate dehydrogenase E1-alpha deficiency (PDHAD). Also called: Ataxia, intermittent, with pyruvate dehydrogenase, or decarboxylase, deficiency; ATAXIA, INTERMITTENT, WITH PYRUVATE DEHYDROGENASE DEFICIENCY; ATAXIA WITH LACTIC ACIDOSIS I; ATAXIA, INTERMITTENT, WITH ABNORMAL PYRUVATE METABOLISM. Identifiers: Orphanet 79243, MedGen C1839413, MONDO:0010717, OMIM 312170.

Allele frequency attached by ClinVar (database versions not stated): gnomAD exomes 0.00019; 1000 Genomes Project 30x 0.00021; 1000 Genomes Project 0.00026; ExAC 0.00027; gnomAD 0.00059 and 0.00061; TOPMed 0.00073; ESP Exome Variant Server 0.00085.
gnomAD v4.1: 124 of 1,176,477 alleles (0.011%); highest among the groups gnomAD compares: African/African-American, 0.19%; no homozygotes.

Submissions (7):

Labcorp Genetics (formerly Invitae), Labcorp
Classification: Benign for Pyruvate dehydrogenase E1-alpha deficiency. Last evaluated: 2026-01-18. Review status: criteria provided, single submitter. Criteria: Invitae Variant Classification Sherloc (09022015). Collection method: clinical testing. Allele origin: germline.

Blueprint Genetics
Classification: Likely benign. Last evaluated: 2023-10-04. Review status: criteria provided, single submitter. Criteria: ACMG Guidelines, 2015. Collection method: clinical testing. Allele origin: germline.

Illumina Laboratory Services, Illumina
Classification: Benign for Pyruvate dehydrogenase E1-alpha deficiency. Last evaluated: 2018-01-13. Review status: criteria provided, single submitter. Criteria: ICSL Variant Classification Criteria 13 December 2019. Collection method: clinical testing. Allele origin: germline.
Comment: This variant was observed in the ICSL laboratory as part of a predisposition screen in an ostensibly healthy population. It had not been previously curated by ICSL or reported in the Human Gene Mutation Database (HGMD: prior to June 1st, 2018), and was therefore a candidate for classification through an automated scoring system. Utilizing variant allele frequency, disease prevalence and penetrance estimates, and inheritance mode, an automated score was calculated to assess if this variant is too frequent to cause the disease. Based on the score and internal cut-off values, a variant classified as benign is not then subjected to further curation. The score for this variant resulted in a classification of benign for this disease.

GeneDx
Classification: Likely benign. Last evaluated: 2017-08-01. Review status: criteria provided, single submitter. Criteria: GeneDx Variant Classification (06012015). Collection method: clinical testing. Allele origin: germline. Affected: yes.
Comment: This variant is considered likely benign or benign based on one or more of the following criteria: it is a conservative change, it occurs at a poorly conserved position in the protein, it is predicted to be benign by multiple in silico algorithms, and/or has population frequency not consistent with disease.

Center for Pediatric Genomic Medicine, Children's Mercy Hospital and Clinics
Classification: Benign. Last evaluated: 2017-01-17. Review status: criteria provided, single submitter. Criteria: ACMG Guidelines, 2015. Collection method: clinical testing. Allele origin: germline.

Ambry Genetics
Classification: Likely benign for Inborn genetic diseases. Last evaluated: 2016-07-11. Review status: criteria provided, single submitter. Criteria: Ambry Variant Classification Scheme 2023. Collection method: clinical testing. Allele origin: germline.

PreventionGenetics, part of Exact Sciences
Classification: Likely benign for PDHA1-related condition. Last evaluated: 2023-06-05. Review status: no assertion criteria provided. Collection method: clinical testing. Allele origin: germline. Not counted in ClinVar's aggregate classification.
Comment: This variant is classified as likely benign based on ACMG/AMP sequence variant interpretation guidelines (Richards et al. 2015 PMID: 25741868, with internal and published modifications).

NM_000284.4(PDHA1):c.97G>C (p.Asp33His)

Gene: PDHA1 (pyruvate dehydrogenase E1 subunit alpha 1; plus strand). Cytogenetic location: Xp22.12.
Variant type: single nucleotide variant.
Coding change: c.97G>C on transcript NM_000284.4 (MANE Select); coding-DNA position 97, G replaced by C.
Protein change: p.Asp33His; replaces aspartic acid 33 with histidine.
Molecular consequence: missense variant.
Genome position (GRCh38, 1-based): chrX:19,349,351, G>C. VCF-style: chrX-19349351-G-C. GRCh37 (hg19) VCF-style: chrX-19367469-G-C.
Other names: p.D33H:GAT>CAT; c.211G>C (NM_001173454.1); c.211G>C, p.Asp71His (NM_001173454.2); c.97G>C, p.Asp33His (NM_001173455.2, NM_001173456.2); short protein forms D33H, D71H.
Identifiers: ClinVar variation 214932 (VCV000214932.24), dbSNP rs150318528, ClinGen allele CA319973.
Genomic context (GRCh38, chrX:19,349,351, plus strand): 5'-TGTATATTTTTGTCTTTTAAGGCAAGCAGAGTGCTGGTAGCATCCCGTAATTTTGCAAAT[G>C]ATGCTACATTTGAAATTAAGGTAAGAGGTGTTTTACTTTGTTAATAATTTTTTCACAGGT-3'
Protein context (NP_000275.1, residues 23-43): VLVASRNFAN[Asp33His]ATFEIKKCDL